The following is an entry in ClinVar:

NM_016239.4(MYO15A):c.4228C>T (p.His1410Tyr)

Gene: MYO15A (myosin XVA; plus strand). Cytogenetic location: 17p11.2.
Variant type: single nucleotide variant.
Coding change: c.4228C>T on transcript NM_016239.4 (MANE Select); coding-DNA position 4228, C replaced by T.
Protein change: p.His1410Tyr; replaces histidine 1410 with tyrosine.
Molecular consequence: missense variant.
Genome position (GRCh38, 1-based): chr17:18,132,474, C>T. VCF-style: chr17-18132474-C-T. GRCh37 (hg19) VCF-style: chr17-18035788-C-T.
Other names: short protein forms H1410Y.
Identifiers: ClinVar variation 1526222 (VCV001526222.1), dbSNP rs2142304025, ClinGen allele CA398593188.

ClinVar aggregate classification (germline): Uncertain significance (1 of 4 stars; one submission).

Conditions:
Autosomal recessive nonsyndromic hearing loss 3. Also called: NEUROSENSORY NONSYNDROMIC RECESSIVE DEAFNESS 3. Identifiers: Orphanet 90636, MedGen C1838263, MONDO:0010860, OMIM 600316.

Submission:

3billion
Classification: Uncertain significance for Autosomal recessive nonsyndromic hearing loss 3. Last evaluated: 2022-03-22. Review status: criteria provided, single submitter. Criteria: ACMG Guidelines, 2015. Collection method: clinical testing. Allele origin: germline. Affected: yes. Observed: 1 heterozygote.
Comment: The variant is not observed in the gnomAD v2.1.1 dataset. In silico tool predictions suggest damaging effect of the variant on gene or gene product (REVEL: 0.967>=0.6, 3CNET: 0.944>=0.75). Therefore, this variant is classified as uncertain significance according to the recommendation of ACMG/AMP guideline.